The following is an entry in ClinVar:

ClinVar aggregate classification (germline): Conflicting classifications of pathogenicity. Review status: criteria provided, conflicting classifications (1 of 4 stars). 9 submissions from 9 submitters: Uncertain significance (7); Benign (1); Likely benign (1). Last evaluated 2025-08-04.

Conditions:
Cardiovascular phenotype. Identifiers: MedGen CN230736.
Cardiac arrhythmia. Also called: Arrhythmia; Cardiac rhythm disease. Identifiers: MedGen C0003811, MONDO:0007263, HP:0011675.
Long QT syndrome (LQTS). Identifiers: MedGen C0023976, MeSH D008133, MONDO:0002442. Disease mechanism: loss of function. Inheritance: Various modes of inheritance.
Short QT syndrome type 1. Identifiers: Orphanet 51083, MedGen C1865020, MONDO:0012312, OMIM 609620.
Long QT syndrome 2 (LQT2). Identifiers: Orphanet 101016, Orphanet 768, MedGen C3150943, MONDO:0013367, OMIM 613688.

Allele frequency attached by ClinVar (database versions not stated): ExAC below 0.00001; gnomAD 0.00003; TOPMed 0.00012; 1000 Genomes Project 30x 0.00031; 1000 Genomes Project 0.00040.
gnomAD v4.1: 57 of 1,549,430 alleles (0.0037%); highest among the groups gnomAD compares: East Asian, 0.049%; no homozygotes.

Submissions (9):

Color Diagnostics, LLC DBA Color Health
Classification: Likely benign for Cardiac arrhythmia. Last evaluated: 2025-08-04. Review status: criteria provided, single submitter. Criteria: ACMG Guidelines, 2015. Collection method: clinical testing. Allele origin: germline.

Labcorp Genetics (formerly Invitae), Labcorp
Classification: Uncertain significance for Long QT syndrome. Last evaluated: 2024-12-20. Review status: criteria provided, single submitter. Criteria: Invitae Variant Classification Sherloc (09022015). Collection method: clinical testing. Allele origin: germline.
Comment: This sequence change replaces arginine, which is basic and polar, with tryptophan, which is neutral and slightly polar, at codon 1032 of the KCNH2 protein (p.Arg1032Trp). This variant is present in population databases (rs373394254, gnomAD 0.06%), and has an allele count higher than expected for a pathogenic variant. This missense change has been observed in individual(s) with clinical features of KCNH2-related conditions (PMID: 28704380, 30530868, 31696929, 32508047). ClinVar contains an entry for this variant (Variation ID: 200522). An algorithm developed to predict the effect of missense changes on protein structure and function (PolyPhen-2) suggests that this variant is likely to be disruptive. In summary, the available evidence is currently insufficient to determine the role of this variant in disease. Therefore, it has been classified as a Variant of Uncertain Significance.

Blueprint Genetics
Classification: Uncertain significance. Last evaluated: 2024-08-28. Review status: criteria provided, single submitter. Criteria: ACMG Guidelines, 2015. Collection method: clinical testing. Allele origin: germline.

All of Us Research Program, National Institutes of Health
Classification: Uncertain significance for Long QT syndrome. Last evaluated: 2024-07-15. Review status: criteria provided, single submitter. Criteria: ACMG Guidelines, 2015. Collection method: clinical testing. Allele origin: germline. Inheritance: Autosomal dominant inheritance. Observed: 10 variant alleles, 10 heterozygotes.
Comment: This missense variant replaces arginine with tryptophan at codon 1032 of the KCNH2 protein. Computational prediction is inconclusive regarding the impact of this variant on protein structure and function (internally defined REVEL score threshold 0.5 < inconclusive < 0.7, PMID: 27666373). To our knowledge, functional studies have not been reported for this variant. This variant has been reported in East Asian individuals affected with sudden unexpected death (PMID: 28704380), long QT syndrome (PMID: 30530868), complex arrhythmias (PMID: 33764691), or suspected to be affected with epilepsy or cardiovascular diseases ((PMID: 31696929). This variant has been shown not to segregate with disease in one of the families (PMID: 33764691). This variant has also been identified in 15/177868 chromosomes (8/12424 East Asian chromosomes) in the general population by the Genome Aggregation Database (gnomAD). The elevated variant allele frequency in the general population indicates that this variant may not be disease-causing. However, additional studies are necessary to determine the role of this variant in disease conclusively. Therefore, this variant is classified as a Variant of Uncertain Significance.

This study involves interpretation of variants in research participants for the purpose of population health screening. Participant phenotype was not available at the time of variant classification. Additional details can be found in publication PMID: 35346344, PMCID: PMC8962531

Ambry Genetics
Classification: Benign for Cardiovascular phenotype. Last evaluated: 2023-03-29. Review status: criteria provided, single submitter. Criteria: Ambry Variant Classification Scheme 2023. Collection method: clinical testing. Allele origin: germline.

Women's Health and Genetics/Laboratory Corporation of America, LabCorp
Classification: Uncertain significance. Last evaluated: 2023-02-15. Review status: criteria provided, single submitter. Criteria: LabCorp Variant Classification Summary - May 2015. Collection method: clinical testing. Allele origin: germline.
Comment: Variant summary: KCNH2 c.3094C>T (p.Arg1032Trp) results in a non-conservative amino acid change in the encoded protein sequence, altering a well conserved residue (HGMD). Four of five in-silico tools predict a damaging effect of the variant on protein function. The variant allele was found at a frequency of 9.5e-05 in 146606 control chromosomes. This frequency is not significantly higher than estimated for a pathogenic variant in KCNH2 causing Arrhythmia (9.5e-05 vs 0.0001), allowing no conclusion about variant significance. c.3094C>T has been reported in the literature in individuals affected with Arrhythmia, congenital long QT syndrome, or other conditions without evidence of cosegregation (Li_2020, Kwok_2018, Suktitlpak_2017, Luo_2020, Lin_2021). These reports do not provide unequivocal conclusions about association of the variant with Arrhythmia. To our knowledge, no experimental evidence demonstrating an impact on protein function has been reported. Six submitters have provided clinical-significance assessments for this variant to ClinVar after 2014, and all laboratories classified the variant as uncertain significance. Based on the evidence outlined above, the variant was classified as uncertain significance.

Fulgent Genetics
Classification: Uncertain significance for Short QT syndrome type 1; Long QT syndrome 2. Last evaluated: 2021-09-16. Review status: criteria provided, single submitter. Criteria: ACMG Guidelines, 2015. Collection method: clinical testing. Allele origin: unknown.

Victorian Clinical Genetics Services, Murdoch Childrens Research Institute
Classification: Uncertain significance for Long QT syndrome 2. Last evaluated: 2020-06-11. Review status: criteria provided, single submitter. Criteria: ACMG Guidelines, 2015. Collection method: clinical testing. Allele origin: germline. Inheritance: Autosomal dominant inheritance.
Comment: Based on the classification scheme VCGS_Germline_v1.1.1, this variant is classified as a VUS-3B. Following criteria are met: 0102 - Loss-of-function is a known mechanism of disease for this gene. (N) 0107 - This gene is known to be associated with autosomal dominant disease. (N) 0200 - Variant is predicted to result in a missense amino acid change from arginine to tryptophan, exon 13. (N) 0251 - Variant is heterozygous. (N) 0302 - Variant is present in gnomAD <0.001 for a dominant condition: 0.0000843 (15 het, 0 hom). (P) 0309 - An alternative amino acid change at the same position has been observed in gnomAD: p.(Arg1032Gln): 0.0000341(5 het, 0 hom). (N) 0502 - Missense variant with conflicting in silico predictions and/or uninformative conservation. Major amino acid change. Low conservation. (N) 0604 - Variant is not located in an established domain, motif, hotspot or informative constraint region. C-terminus. (N) 0708 - Comparable variants have conflicting previous evidence for pathogenicity. In one patient with LQTS (PMID: 20541041). In one LQTS patient who also had a pathogenic variant (R420W) in RYR2, that was considered the cause. Also, considered conflicting evidence in an online resource (from PMID: 22581653). (N) 0803 - Low previous evidence of pathogenicity in unrelated individuals. Reported as a potential pathogenic variant in a patient who died a sudden death and who also had two other potential pathogenic variants, a nonsense variant in MYLK2 and a missense variant in SCN5A. (PMID: 28704380). Classified as Likely pathogenic in a patient with LQTS (PMID: 30530868). Previously observed once in our LQTS patient cohort at VCGS. Has been submitted to ClinVar once as a VUS and referred to as c.2074C>T; p.(Arg692Trp), due to a different transcript used. (P) 0905 - No segregation evidence has been identified for this variant. (N) 1007 - No published functional evidence has been identified for this variant. (N) 1208 - Inheritance information for this variant is not currently available. (N) Legend: (P) - Pathogenic, (N) - Neutral, (B) - Benign

Illumina Laboratory Services, Illumina
Classification: Uncertain significance for Long QT syndrome 2. Last evaluated: 2017-04-27. Review status: criteria provided, single submitter. Criteria: ICSL Variant Classification Criteria 13 December 2019. Collection method: clinical testing. Allele origin: germline.
Comment: This variant was observed as part of a predisposition screen in an ostensibly healthy population. A literature search was performed for the gene, cDNA change, and amino acid change (where applicable). Publications were found based on this search. However, the evidence from the literature, in combination with allele frequency data from public databases where available, was not sufficient to rule this variant in or out of causing disease. Therefore, this variant is classified as a variant of unknown significance.

Literature cited by the submitters: PubMed 28704380 (cited by 5 submitters); PubMed 30530868 (cited by 5 submitters); PubMed 31696929 (cited by 4 submitters); PubMed 32508047 (cited by 3 submitters); PubMed 33764691 (cited by 3 submitters); PubMed 20541041 (cited by Victorian Clinical Genetics Services, Murdoch Childrens Research Institute); PubMed 22581653 (cited by Victorian Clinical Genetics Services, Murdoch Childrens Research Institute); PubMed 29925740 (cited by Victorian Clinical Genetics Services, Murdoch Childrens Research Institute); PubMed 10973849 (cited by Illumina Laboratory Services, Illumina); PubMed 16414944 (cited by Illumina Laboratory Services, Illumina); PubMed 19926013 (cited by Illumina Laboratory Services, Illumina); PubMed 19716085 (cited by Illumina Laboratory Services, Illumina).

NM_000238.4(KCNH2):c.3094C>T (p.Arg1032Trp)

Gene: KCNH2 (potassium voltage-gated channel subfamily H member 2; minus strand). Cytogenetic location: 7q36.1.
Variant type: single nucleotide variant.
Coding change: c.3094C>T on transcript NM_000238.4 (MANE Select); coding-DNA position 3094, C replaced by T.
Protein change: p.Arg1032Trp; replaces arginine 1032 with tryptophan.
Molecular consequence: missense variant.
Genome position (GRCh38, 1-based): chr7:150,947,386, G>A on the plus strand (C>T on the coding strand, the complement: KCNH2 is on the minus strand). VCF-style: chr7-150947386-G-A. GRCh37 (hg19) VCF-style: chr7-150644474-G-A.
Other names: c.2074C>T, p.Arg692Trp (NM_172057.3); short protein forms R1032W, R692W.
Identifiers: ClinVar variation 200522 (VCV000200522.35), dbSNP rs373394254, ClinGen allele CA007892.
Genomic context (GRCh38, chr7:150,947,386, plus strand): 5'-ACCTGTTGAGCTGGCGCTGGAGGGCATCCAGCCTGCTCTCCACGTCGCCCCGGGGCCGCC[G>A]ACCCGGGCTGGAGAGGGGGATGTTGAGGAGGCTGGGGGTGGGGGCGGGGCATCGAGGGAG-3'
Protein context (NP_000229.1, residues 1022-1042): LLNIPLSSPG[Arg1032Trp]RPRGDVESRL